The following is an entry in ClinVar:

ClinVar aggregate classification (germline): Uncertain significance. Review status: criteria provided, multiple submitters, no conflicts (2 of 4 stars). 3 submissions from 3 submitters: Uncertain significance (3). Last evaluated 2025-10-02.

Conditions:
Atypical hemolytic-uremic syndrome. Identifiers: Orphanet 2134, MedGen C2931788, MONDO:0016244.

Submissions (3):

Genomenon, Inc
Classification: Uncertain significance for Atypical hemolytic-uremic syndrome. Last evaluated: 2025-10-02. Review status: criteria provided, single submitter. Criteria: Genomenon Sequence Variant Interpretation Standards - Updated. Collection method: curation. Allele origin: germline. Affected: yes.
Comment: CFH p.Ser411Thr (c.1231T>A) is a missense variant that changes the amino acid at residue 411 from Serine to Threonine. This variant has been observed in at least one proband affected with atypical hemolytic-uremic syndrome (PMID:28993505;23307876;28509134). Functional studies have been reported (PMID:34189567). It is absent or not present at a significant frequency in gnomAD. In conclusion, we classify CFH p.Ser411Thr (c.1231T>A) as a variant of uncertain significance.

Labcorp Genetics (formerly Invitae), Labcorp
Classification: Uncertain significance. Last evaluated: 2024-12-18. Review status: criteria provided, single submitter. Criteria: Invitae Variant Classification Sherloc (09022015). Collection method: clinical testing. Allele origin: germline.
Comment: This sequence change replaces serine, which is neutral and polar, with threonine, which is neutral and polar, at codon 411 of the CFH protein (p.Ser411Thr). This variant is not present in population databases (gnomAD no frequency). This missense change has been observed in individual(s) with hemolytic uremic syndrome (PMID: 23431077, 28509134). An algorithm developed to predict the effect of missense changes on protein structure and function outputs the following: PolyPhen-2: "Benign". The threonine amino acid residue is found in multiple mammalian species, which suggests that this missense change does not adversely affect protein function. In summary, the available evidence is currently insufficient to determine the role of this variant in disease. Therefore, it has been classified as a Variant of Uncertain Significance.

Mayo Clinic Laboratories, Mayo Clinic
Classification: Uncertain significance. Last evaluated: 2023-08-21. Review status: criteria provided, single submitter. Criteria: ACMG Guidelines, 2015. Collection method: clinical testing. Allele origin: germline. Observed: 1 variant allele.
Comment: BS3, PM2, PS4_moderate

Literature cited by the submitters: PubMed 28993505 (cited by Genomenon, Inc); PubMed 23307876 (cited by Genomenon, Inc and Mayo Clinic Laboratories, Mayo Clinic); PubMed 28509134 (cited by 3 submitters); PubMed 34189567 (cited by Genomenon, Inc and Mayo Clinic Laboratories, Mayo Clinic); PubMed 23431077 (cited by Labcorp Genetics (formerly Invitae), Labcorp and Mayo Clinic Laboratories, Mayo Clinic).

NM_000186.4(CFH):c.1231T>A (p.Ser411Thr)

Gene: CFH (complement factor H; plus strand). Cytogenetic location: 1q31.3.
Variant type: single nucleotide variant.
Coding change: c.1231T>A on transcript NM_000186.4 (MANE Select); coding-DNA position 1231, T replaced by A.
Protein change: p.Ser411Thr; replaces serine 411 with threonine.
Molecular consequence: missense variant.
Genome position (GRCh38, 1-based): chr1:196,690,134, T>A. VCF-style: chr1-196690134-T-A. GRCh37 (hg19) VCF-style: chr1-196659264-T-A.
Other names: p.Ser411Thr; c.1231T>A, p.Ser411Thr (NM_001014975.3); short protein forms S411T.
Identifiers: ClinVar variation 3380258 (VCV003380258.4).